The following is an entry in ClinVar:

ClinVar aggregate classification (germline): Uncertain significance (1 of 4 stars; one submission).

Conditions:
Chédiak-Higashi syndrome (CHS). Also called: Chediak-Higashi Syndrome. Identifiers: Orphanet 167, MedGen C0007965, MONDO:0008963, OMIM 214500.

Submission:

Labcorp Genetics (formerly Invitae), Labcorp
Classification: Uncertain significance for Chédiak-Higashi syndrome. Last evaluated: 2022-06-20. Review status: criteria provided, single submitter. Criteria: Invitae Variant Classification Sherloc (09022015). Collection method: clinical testing. Allele origin: germline.
Comment: In summary, the available evidence is currently insufficient to determine the role of this variant in disease. Therefore, it has been classified as a Variant of Uncertain Significance. Algorithms developed to predict the effect of missense changes on protein structure and function output the following: SIFT: "Tolerated"; PolyPhen-2: "Benign"; Align-GVGD: "Class C0". The serine amino acid residue is found in multiple mammalian species, which suggests that this missense change does not adversely affect protein function. This variant has not been reported in the literature in individuals affected with LYST-related conditions. This variant is not present in population databases (gnomAD no frequency). This sequence change replaces asparagine, which is neutral and polar, with serine, which is neutral and polar, at codon 2418 of the LYST protein (p.Asn2418Ser).

NM_000081.4(LYST):c.7253A>G (p.Asn2418Ser)

Gene: LYST (lysosomal trafficking regulator; minus strand). Cytogenetic location: 1q42.3.
Variant type: single nucleotide variant.
Coding change: c.7253A>G on transcript NM_000081.4 (MANE Select); coding-DNA position 7253, A replaced by G.
Protein change: p.Asn2418Ser; replaces asparagine 2418 with serine.
Molecular consequence: missense variant.
Genome position (GRCh38, 1-based): chr1:235,753,251, T>C on the plus strand (A>G on the coding strand, the complement: LYST is on the minus strand). VCF-style: chr1-235753251-T-C. GRCh37 (hg19) VCF-style: chr1-235916551-T-C.
Other names: c.7253A>G, p.Asn2418Ser (NM_001301365.1); short protein forms N2418S.
Identifiers: ClinVar variation 2000695 (VCV002000695.4), dbSNP rs2527734594, ClinGen allele CA344932812.
Genomic context (GRCh38, chr1:235,753,251, plus strand): 5'-AGAGAGGTCTCTATTAGTCCCAGAATAGGAATGACAGACCACTTCTGAAACAATCCCATG[T>C]TTCTCACATCTTCCAGATCAAATCTATAATAAATAATACAGTTAAGAGCACATTAGAAAC-3'
Protein context (NP_000072.2, residues 2408-2428): DEEFDLEDVR[Asn2418Ser]MGLFQKWSVI